The following is an entry in ClinVar:

ClinVar aggregate classification (germline): Uncertain significance (1 of 4 stars; one submission).

Submission:

GeneDx
Classification: Uncertain significance. Last evaluated: 2025-04-30. Review status: criteria provided, single submitter. Criteria: GeneDx Variant Classification Process June 2021. Collection method: clinical testing. Allele origin: germline. Affected: yes.
Comment: Not observed at significant frequency in large population cohorts (gnomAD); Canonical splice site variant in a gene or region of a gene for which loss of function is not a well-established mechanism of disease; Has not been previously published as pathogenic or benign to our knowledge; Reported using an alternate transcript of the gene

NM_003024.3(ITSN1):c.3661+354G>A

Gene: ITSN1 (intersectin 1; plus strand). Cytogenetic location: 21q22.11.
Variant type: single nucleotide variant.
Coding change: c.3661+354G>A on transcript NM_003024.3 (MANE Select); 354 bases into the intron after coding-DNA position 3661, G replaced by A.
Molecular consequence: intron variant. On other transcripts: splice acceptor variant (5).
Genome position (GRCh38, 1-based): chr21:33,836,986, G>A. VCF-style: chr21-33836986-G-A. GRCh37 (hg19) VCF-style: chr21-35209290-G-A.
Other names: c.3646+354G>A (NM_001331010.2); c.3662-1G>A (NM_001001132.2); c.3449-1G>A (NM_001331008.2); c.3647-1G>A (NM_001331009.2); c.3434-1G>A (NM_001331011.2); c.3536-1G>A (NM_001331012.2).
Identifiers: ClinVar variation 4527295 (VCV004527295.1).